The following is an entry in ClinVar:

ClinVar aggregate classification (germline): Pathogenic (1 of 4 stars; one submission).

Submission:

CeGaT Center for Human Genetics Tuebingen
Classification: Pathogenic. Last evaluated: 2025-11-01. Review status: criteria provided, single submitter. Criteria: CeGaT Center For Human Genetics Tuebingen Variant Classification Criteria Version 2. Collection method: clinical testing. Allele origin: germline. Affected: yes. Observed: 1 variant allele.
Comment: CTNND1: PVS1, PM2, PS2:Supporting

NM_001085458.2(CTNND1):c.638del (p.Tyr213fs)

Genes: CTNND1 (catenin delta 1; plus strand), TMX2-CTNND1 (TMX2-CTNND1 readthrough (NMD candidate); plus strand). Cytogenetic location: 11q12.1.
Variant type: Deletion.
Coding change: c.638del on transcript NM_001085458.2 (MANE Select); coding-DNA position 638, one base deleted (A; older notation c.638delA).
Protein change: p.Tyr213fs; shifts the reading frame from tyrosine 213.
Molecular consequence: frameshift variant. On other transcripts: non-coding transcript variant (1).
Genome position (GRCh38, 1-based): chr11:57,796,674, A deleted. VCF-style (leftmost placement, unchanged base first): chr11-57796673-TA-T. GRCh37 (hg19) VCF-style: chr11-57564145-TA-T.
Other names: c.638del, p.Tyr213fs (NM_001085459.2, NM_001085460.2, NM_001085461.2 and 3 more transcripts); c.335del, p.Tyr112fs (NM_001085463.2, NM_001206890.2, NM_001085464.2 and 5 more transcripts); c.476del, p.Tyr159fs (NM_001206887.2, NM_001206888.2, NM_001206889.2 and 4 more transcripts); short protein forms Y112fs, Y159fs, Y213fs.
Identifiers: ClinVar variation 4535069 (VCV004535069.6).
Genomic context (GRCh38, chr11:57,796,673, plus strand): 5'-TATGTGGGGCAAGCTGGCACTGCTACCCTTCCTAGGAACTTCCACTACCCTCCTGATGGT[TA>T]TAGTCGCCACTATGAAGATGGTTATCCAGGTGGCAGTGATAACTATGGCAGTCTGTCCCG-3'